The following is an entry in ClinVar:

ClinVar aggregate classification (germline): Uncertain significance (1 of 4 stars; one submission).

Conditions:
Tatton-Brown-Rahman overgrowth syndrome. Also called: Tatton-Brown-Rahman syndrome; Tall stature-intellectual disability-facial dysmorphism syndrome. Identifiers: Orphanet 404443, MedGen C4014545, MONDO:0014382, OMIM 615879.

Submission:

Labcorp Genetics (formerly Invitae), Labcorp
Classification: Uncertain significance for Tatton-Brown-Rahman overgrowth syndrome. Last evaluated: 2024-04-03. Review status: criteria provided, single submitter. Criteria: Invitae Variant Classification Sherloc (09022015). Collection method: clinical testing. Allele origin: germline.
Comment: This sequence change falls in intron 13 of the DNMT3A gene. It does not directly change the encoded amino acid sequence of the DNMT3A protein. It affects a nucleotide within the consensus splice site. This variant is not present in population databases (gnomAD no frequency). This variant has not been reported in the literature in individuals affected with DNMT3A-related conditions. Variants that disrupt the consensus splice site are a relatively common cause of aberrant splicing (PMID: 17576681, 9536098). Algorithms developed to predict the effect of sequence changes on RNA splicing suggest that this variant is not likely to affect RNA splicing. In summary, the available evidence is currently insufficient to determine the role of this variant in disease. Therefore, it has been classified as a Variant of Uncertain Significance.

Literature cited by the submitters: PubMed 17576681; PubMed 9536098.

NM_022552.5(DNMT3A):c.1555-3T>C

Gene: DNMT3A (DNA methyltransferase 3 alpha; minus strand). Cytogenetic location: 2p23.3.
Variant type: single nucleotide variant.
Coding change: c.1555-3T>C on transcript NM_022552.5 (MANE Select); 3 bases into the intron before coding-DNA position 1555, T replaced by C.
Molecular consequence: intron variant.
Genome position (GRCh38, 1-based): chr2:25,244,655, A>G on the plus strand (T>C on the coding strand, the complement: DNMT3A is on the minus strand). VCF-style: chr2-25244655-A-G. GRCh37 (hg19) VCF-style: chr2-25467524-A-G.
Other names: c.1555-3T>C (NM_175629.2); c.988-3T>C (NM_153759.3); c.1099-3T>C (NM_001320893.1); c.886-3T>C (NM_001375819.1).
Identifiers: ClinVar variation 3668612 (VCV003668612.2).
Genomic context (GRCh38, chr2:25,244,655, plus strand): 5'-TGCAGTAGGACTGGTAGCCGTCGTCGTCGTACTGGTACGCACACTCCAGAAAGCAGTTCT[A>G]GACAGCAGCGGGAAGGGTCAGAAACCACCAGGACGGGTCCCAGGACGGCCAGGACGAAGG-3'